The following is an entry in ClinVar:

NM_007103.4(NDUFV1):c.383G>T (p.Arg128Leu)

Gene: NDUFV1 (NADH:ubiquinone oxidoreductase core subunit V1; plus strand). Cytogenetic location: 11q13.2.
Variant type: single nucleotide variant.
Coding change: c.383G>T on transcript NM_007103.4 (MANE Select); coding-DNA position 383, G replaced by T.
Protein change: p.Arg128Leu; replaces arginine 128 with leucine.
Molecular consequence: missense variant.
Genome position (GRCh38, 1-based): chr11:67,609,508, G>T. VCF-style: chr11-67609508-G-T. GRCh37 (hg19) VCF-style: chr11-67376979-G-T.
Other names: c.356G>T, p.Arg119Leu (NM_001166102.2); short protein forms R119L, R128L.
Identifiers: ClinVar variation 3251599 (VCV003251599.4), dbSNP rs778295360.

ClinVar aggregate classification (germline): Conflicting classifications of pathogenicity. Review status: criteria provided, conflicting classifications (1 of 4 stars). 2 submissions from 2 submitters: Likely pathogenic (1); Uncertain significance (1). Last evaluated 2025-12-08.

Submissions (2):

Labcorp Genetics (formerly Invitae), Labcorp
Classification: Likely pathogenic. Last evaluated: 2025-12-08. Review status: criteria provided, single submitter. Criteria: Invitae Variant Classification Sherloc (09022015). Collection method: clinical testing. Allele origin: germline.
Comment: This sequence change replaces arginine, which is basic and polar, with leucine, which is neutral and non-polar, at codon 128 of the NDUFV1 protein (p.Arg128Leu). This variant is not present in population databases (gnomAD no frequency). This missense change has been observed in individual(s) with mitochondrial complex I deficiency (PMID: 27290639). In at least one individual the data is consistent with being in trans (on the opposite chromosome) from a pathogenic variant. ClinVar contains an entry for this variant (Variation ID: 3251599). Invitae Evidence Modeling of protein sequence and biophysical properties (such as structural, functional, and spatial information, amino acid conservation, physicochemical variation, residue mobility, and thermodynamic stability) indicates that this missense variant is expected to disrupt NDUFV1 protein function with a positive predictive value of 95%. Experimental studies are conflicting or provide insufficient evidence to determine the effect of this variant on NDUFV1 function (PMID: 36462614). In summary, the currently available evidence indicates that the variant is pathogenic, but additional data are needed to prove that conclusively. Therefore, this variant has been classified as Likely Pathogenic.

Women's Health and Genetics/Laboratory Corporation of America, LabCorp
Classification: Uncertain significance. Last evaluated: 2025-08-01. Review status: criteria provided, single submitter. Criteria: LabCorp Variant Classification Summary - May 2015. Collection method: clinical testing. Allele origin: germline.
Comment: Variant summary: NDUFV1 c.383G>T (p.Arg128Leu) results in a non-conservative amino acid change located in the NADH-ubiquinone oxidoreductase 51kDa subunit, FMN-binding domain (IPR011538) of the encoded protein sequence. Algorithms developed to predict the effect of missense changes on protein structure and function all suggest that this variant is likely to be disruptive. The variant was absent in 250842 control chromosomes. The available data on variant occurrences in the general population are insufficient to allow any conclusion about variant significance. c.383G>T has been observed as a compound heterozygous genotype in at-least one individual living at age 12 years and affected with Leigh syndrome (Pronickka_2016 cited in Alkhaldi_2023). These data do not allow any conclusion about variant significance. One study reports the modeling of this variant in the Ecoli nuoF gene as R102L (p.Arg102Leu) (Alkhaldi_2023). In E. coli, NuoF_R102L had activity of 86 %, while the alanine substitution R102A had a higher activity of 93 %, indicating that the leucine was somewhat more disruptive. However, to our knowledge, no direct experimental evidence demonstrating an impact on protein function has been reported. The following publications have been ascertained in the context of this evaluation (PMID: 36462614, 27290639, 35482246). ClinVar contains an entry for this variant (Variation ID: 3251599). Based on the evidence outlined above, the variant was classified as uncertain significance.

Literature cited by the submitters: PubMed 27290639 (cited by Labcorp Genetics (formerly Invitae), Labcorp and Women's Health and Genetics/Laboratory Corporation of America, LabCorp); PubMed 36462614 (cited by Labcorp Genetics (formerly Invitae), Labcorp and Women's Health and Genetics/Laboratory Corporation of America, LabCorp); PubMed 35482246 (cited by Women's Health and Genetics/Laboratory Corporation of America, LabCorp).